The following is an entry in ClinVar:

NM_006846.4(SPINK5):c.2441+1G>A

Gene: SPINK5 (serine peptidase inhibitor Kazal type 5; plus strand). Cytogenetic location: 5q32.
Variant type: single nucleotide variant.
Coding change: c.2441+1G>A on transcript NM_006846.4 (MANE Select); the canonical splice donor site of the intron after coding-DNA position 2441, G replaced by A.
Molecular consequence: splice donor variant.
Genome position (GRCh38, 1-based): chr5:148,120,137, G>A. VCF-style: chr5-148120137-G-A. GRCh37 (hg19) VCF-style: chr5-147499700-G-A.
Other names: c.2441+1G>A (NM_001127698.2, NM_001127699.2).
Identifiers: ClinVar variation 574736 (VCV000574736.9), dbSNP rs1561701382, ClinGen allele CA361646520.

ClinVar aggregate classification (germline): Likely pathogenic (1 of 4 stars; one submission).

Conditions:
Ichthyosis linearis circumflexa. Identifiers: MedGen C0265962, MONDO:0043106, HP:0025810.

Allele frequency attached by ClinVar (database versions not stated): TOPMed below 0.00001; gnomAD 0.00001.

Submission:

Labcorp Genetics (formerly Invitae), Labcorp
Classification: Likely pathogenic for Ichthyosis linearis circumflexa. Last evaluated: 2018-05-03. Review status: criteria provided, single submitter. Criteria: Invitae Variant Classification Sherloc (09022015). Collection method: clinical testing. Allele origin: germline.
Comment: This sequence change affects a donor splice site in intron 25 of the SPINK5 gene. It is expected to disrupt RNA splicing and likely results in an absent or disrupted protein product. This variant is not present in population databases (ExAC no frequency). This variant has not been reported in the literature in individuals with SPINK5-related disease. Donor and acceptor splice site variants typically lead to a loss of protein function (PMID: 16199547), and loss-of-function variants in SPINK5 are known to be pathogenic (PMID: 11511292, 11841556). In summary, the currently available evidence indicates that the variant is pathogenic, but additional data are needed to prove that conclusively. Therefore, this variant has been classified as Likely Pathogenic.

Literature cited by the submitters: PubMed 16199547; PubMed 11511292; PubMed 11841556.